The following is an entry in ClinVar:

ClinVar aggregate classification (germline): Uncertain significance (1 of 4 stars; one submission).

gnomAD v4.1: 1 of 1,606,826 alleles (0.000062%); no homozygotes.

Submission:

Ambry Genetics
Classification: Uncertain significance. Last evaluated: 2026-09-13. Review status: criteria provided, single submitter. Criteria: Ambry Variant Classification Scheme 2023. Collection method: clinical testing. Allele origin: germline.
Comment: The p.I816V variant (also known as c.2446A>G), located in coding exon 23 of the RASA2 gene, results from an A to G substitution at nucleotide position 2446. The isoleucine at codon 816 is replaced by valine, an amino acid with highly similar properties. This amino acid position is conserved. In addition, this alteration is predicted to be tolerated by in silico analysis. Based on the available evidence, the clinical significance of this variant remains unclear.

NM_006506.5(RASA2):c.2446A>G (p.Ile816Val)

Gene: RASA2 (RAS p21 protein activator 2; plus strand). Cytogenetic location: 3q23.
Variant type: single nucleotide variant.
Coding change: c.2446A>G on transcript NM_006506.5 (MANE Select); coding-DNA position 2446, A replaced by G.
Protein change: p.Ile816Val; replaces isoleucine 816 with valine.
Molecular consequence: missense variant.
Genome position (GRCh38, 1-based): chr3:141,609,993, A>G. VCF-style: chr3-141609993-A-G. GRCh37 (hg19) VCF-style: chr3-141328835-A-G.
Other names: c.2449A>G, p.Ile817Val (NM_001303245.3); c.2458A>G, p.Ile820Val (NM_001303246.3); short protein forms I820V, I816V, I817V.
Identifiers: ClinVar variation 5027895 (VCV005027895.1).
Genomic context (GRCh38, chr3:141,609,993, plus strand): 5'-TCTAACTTTGTAATCGAGGATTCTGTAACAACCTTTAAGACAATTCAGCAAATAAAAAGC[A>G]TAATTGAGAAGCTGGATGAACCTCATGAAAAATATAGGAAGAAAAGATCCAGTAGTGCAA-3'
Protein context (NP_006497.2, residues 806-826): TFKTIQQIKS[Ile816Val]IEKLDEPHEK